The following is an entry in ClinVar:

NM_001267550.2(TTN):c.45327C>T (p.Thr15109=)

Genes: TTN (titin; minus strand), LOC126806427 (BRD4-independent group 4 enhancer GRCh37_chr2:179485777-179486976; plus strand). Cytogenetic location: 2q31.2.
Variant type: single nucleotide variant.
Coding change: c.45327C>T on transcript NM_001267550.2 (MANE Select); coding-DNA position 45327, C replaced by T.
Protein change: p.Thr15109=; no amino-acid change (threonine 15109 retained).
Molecular consequence: synonymous variant.
Genome position (GRCh38, 1-based): chr2:178,621,497, G>A on the plus strand (C>T on the coding strand, the complement: TTN is on the minus strand). VCF-style: chr2-178621497-G-A. GRCh37 (hg19) VCF-style: chr2-179486224-G-A.
Other names: c.40404C>T, p.Thr13468= (NM_001256850.1); c.18132C>T, p.Thr6044= (NM_003319.4); c.37623C>T, p.Thr12541= (NM_133378.4); c.18507C>T, p.Thr6169= (NM_133432.3); c.18708C>T, p.Thr6236= (NM_133437.4).
Identifiers: ClinVar variation 498005 (VCV000498005.15), dbSNP rs376143828, ClinGen allele CA1995458.

ClinVar aggregate classification (germline): Conflicting classifications of pathogenicity. Review status: criteria provided, conflicting classifications (1 of 4 stars). 4 submissions from 4 submitters: Uncertain significance (1); Likely benign (3). Last evaluated 2026-01-08.

Conditions:
TTN-related disorder. Also called: TTN-related condition; TTN-related disease; TTN-related disorders.
Cardiovascular phenotype. Identifiers: MedGen CN230736.
Dilated cardiomyopathy 1G (CMD1G). Identifiers: Orphanet 154, MedGen C1858763, MONDO:0011400, OMIM 604145.
Autosomal recessive limb-girdle muscular dystrophy type 2J (LGMDR10). Also called: Limb-girdle muscular dystrophy, type 2J; MUSCULAR DYSTROPHY, LIMB-GIRDLE, AUTOSOMAL RECESSIVE 10. Identifiers: Orphanet 140922, MedGen C1837342, MONDO:0012127, OMIM 608807.

Allele frequency attached by ClinVar (database versions not stated): gnomAD 0.00001; gnomAD exomes 0.00002; TOPMed 0.00002; ExAC 0.00003; ESP Exome Variant Server 0.00016.
gnomAD v4.1: 15 of 1,612,182 alleles (0.00093%); highest among the groups gnomAD compares: East Asian, 0.0067%; no homozygotes.

Submissions (4):

Labcorp Genetics (formerly Invitae), Labcorp
Classification: Likely benign for Dilated cardiomyopathy 1G; Autosomal recessive limb-girdle muscular dystrophy type 2J. Last evaluated: 2026-01-08. Review status: criteria provided, single submitter. Criteria: Invitae Variant Classification Sherloc (09022015). Collection method: clinical testing. Allele origin: germline.

PreventionGenetics, part of Exact Sciences
Classification: Likely benign for TTN-related condition. Last evaluated: 2025-09-03. Review status: criteria provided, single submitter. Criteria: ACMG Guidelines, 2015. Collection method: clinical testing. Allele origin: germline.
Comment: This variant is classified as likely benign based on ACMG/AMP sequence variant interpretation guidelines (Richards et al. 2015 PMID: 25741868, with internal and published modifications).

Ambry Genetics
Classification: Likely benign for Cardiovascular phenotype. Last evaluated: 2025-05-18. Review status: criteria provided, single submitter. Criteria: Ambry Variant Classification Scheme 2023. Collection method: clinical testing. Allele origin: germline.

Eurofins Ntd Llc (ga)
Classification: Uncertain significance. Last evaluated: 2018-07-31. Review status: criteria provided, single submitter. Criteria: EGL ClinVar v180209 classification definitions. Collection method: clinical testing. Allele origin: germline. Observed: 2 variant alleles, 2 heterozygotes.